The following is an entry in ClinVar:

ClinVar aggregate classification (germline): Uncertain significance (1 of 4 stars; one submission).

gnomAD v4.1: 1 of 1,614,190 alleles (0.000062%); no homozygotes.

Submission:

GeneDx
Classification: Uncertain significance. Last evaluated: 2021-05-11. Review status: criteria provided, single submitter. Criteria: GeneDx Variant Classification Process June 2021. Collection method: clinical testing. Allele origin: germline. Affected: yes.
Comment: Not observed in large population cohorts (Lek et al., 2016); In silico analysis supports that this missense variant does not alter protein structure/function; Has not been previously published as pathogenic or benign to our knowledge

NM_003242.6(TGFBR2):c.1487G>A (p.Gly496Glu)

Gene: TGFBR2 (transforming growth factor beta receptor 2; plus strand). Cytogenetic location: 3p24.1.
Variant type: single nucleotide variant.
Coding change: c.1487G>A on transcript NM_003242.6 (MANE Select); coding-DNA position 1487, G replaced by A.
Protein change: p.Gly496Glu; replaces glycine 496 with glutamic acid.
Molecular consequence: missense variant.
Genome position (GRCh38, 1-based): chr3:30,688,474, G>A. VCF-style: chr3-30688474-G-A. GRCh37 (hg19) VCF-style: chr3-30729966-G-A.
Other names: c.1562G>A, p.Gly521Glu (NM_001024847.3); c.1670G>A, p.Gly557Glu (NM_001407126.1); c.1595G>A, p.Gly532Glu (NM_001407127.1); c.1514G>A, p.Gly505Glu (NM_001407128.1); c.1490G>A, p.Gly497Glu (NM_001407129.1); c.1484G>A, p.Gly495Glu (NM_001407130.1); c.1382G>A, p.Gly461Glu (NM_001407132.1, NM_001407133.1, NM_001407134.1 and 2 more transcripts); c.1202G>A, p.Gly401Glu (NM_001407137.1); and 2 more; short protein forms G496E, G521E, G376E, G401E, G206E, G532E, G557E, G497E.
Identifiers: ClinVar variation 1304213 (VCV001304213.3), dbSNP rs2125452105, ClinGen allele CA351809387.
Genomic context (GRCh38, chr3:30,688,474, plus strand): 5'-CCAAGGTGCGGGAGCACCCCTGTGTCGAAAGCATGAAGGACAACGTGTTGAGAGATCGAG[G>A]GCGACCAGAAATTCCCAGCTTCTGGCTCAACCACCAGGTAAGGAGTGAGTGTTTACAAAG-3'
Protein context (NP_003233.4, residues 486-506): SMKDNVLRDR[Gly496Glu]RPEIPSFWLN